The following is an entry in ClinVar:

NM_000254.3(MTR):c.3008-3T>C

Gene: MTR (5-methyltetrahydrofolate-homocysteine methyltransferase; plus strand). Cytogenetic location: 1q43.
Variant type: single nucleotide variant.
Coding change: c.3008-3T>C on transcript NM_000254.3 (MANE Select); 3 bases into the intron before coding-DNA position 3008, T replaced by C.
Molecular consequence: intron variant.
Genome position (GRCh38, 1-based): chr1:236,891,130, T>C. VCF-style: chr1-236891130-T-C. GRCh37 (hg19) VCF-style: chr1-237054430-T-C.
Other names: c.2855-3T>C (NM_001291939.1); c.1787-3T>C (NM_001291940.2).
Identifiers: ClinVar variation 1440181 (VCV001440181.5), dbSNP rs1286783552, ClinGen allele CA529535235.

ClinVar aggregate classification (germline): Uncertain significance (1 of 4 stars; one submission).

Conditions:
Methylcobalamin deficiency type cblG (HMAG). Also called: HOMOCYSTINURIA-MEGALOBLASTIC ANEMIA, cblG COMPLEMENTATION TYPE; Functional methionine synthase deficiency type cblG; HOMOCYSTINURIA-MEGALOBLASTIC ANEMIA, cblG TYPE; HOMOCYSTINURIA-MEGALOBLASTIC ANEMIA DUE TO DEFECT IN COBALAMIN METABOLISM, cblG COMPLEMENTATION TYPE. Identifiers: Orphanet 2170, Orphanet 622, MedGen C1855128, MONDO:0009609, OMIM 250940.

Allele frequency attached by ClinVar (database versions not stated): gnomAD exomes below 0.00001; TOPMed 0.00001.
gnomAD v4.1: 4 of 1,614,126 alleles (0.00025%); highest among the groups gnomAD compares: Admixed American, 0.005%; no homozygotes.

Submission:

Labcorp Genetics (formerly Invitae), Labcorp
Classification: Uncertain significance for Methylcobalamin deficiency type cblG. Last evaluated: 2024-02-24. Review status: criteria provided, single submitter. Criteria: Invitae Variant Classification Sherloc (09022015). Collection method: clinical testing. Allele origin: germline.
Comment: This sequence change falls in intron 28 of the MTR gene. It does not directly change the encoded amino acid sequence of the MTR protein. It affects a nucleotide within the consensus splice site. This variant is present in population databases (no rsID available, gnomAD 0.003%). This variant has not been reported in the literature in individuals affected with MTR-related conditions. ClinVar contains an entry for this variant (Variation ID: 1440181). Variants that disrupt the consensus splice site are a relatively common cause of aberrant splicing (PMID: 17576681, 9536098). Algorithms developed to predict the effect of sequence changes on RNA splicing suggest that this variant is not likely to affect RNA splicing. In summary, the available evidence is currently insufficient to determine the role of this variant in disease. Therefore, it has been classified as a Variant of Uncertain Significance.

Literature cited by the submitters: PubMed 17576681; PubMed 9536098.